The following is an entry in ClinVar:

NM_001127511.3(APC):c.166-29198A>G

Gene: APC (APC regulator of Wnt signaling pathway; plus strand). Cytogenetic location: 5q22.2.
Variant type: single nucleotide variant.
Coding change: c.166-29198A>G on transcript NM_001127511.3; 29198 bases into the intron before coding-DNA position 166, A replaced by G.
Molecular consequence: intron variant.
Genome position (GRCh38, 1-based): chr5:112,737,128, A>G. VCF-style: chr5-112737128-A-G. GRCh37 (hg19) VCF-style: chr5-112072825-A-G.
Other names: c.-1053-17745A>G (NM_001407470.1, NM_001407472.1); c.-18-17745A>G (NM_001407447.1, NM_001354895.2, NM_001407456.1 and 7 more transcripts); c.166-29198A>G (NM_001407446.1, NM_001354897.2, NM_001354902.2); c.-42-29198A>G (NM_001407453.1).
Identifiers: ClinVar variation 3046225 (VCV003046225.3), dbSNP rs146651711, ClinGen allele CA124948329.
Genomic context (GRCh38, chr5:112,737,128, plus strand): 5'-TAAGCATCACCTGGTTCGATTTAAATGCAATGTAGAATTTGCATTAAAATACTACATTAA[A>G]GCCTCAGATTTGTAGTAGCTAACAGCACTTCTATGTATGTGTCAGGGACTGCTCTAAATA-3'

ClinVar aggregate classification (germline): Likely benign. Review status: criteria provided, single submitter (1 of 4 stars). 2 submissions from 2 submitters: Likely benign (1). 1 of the submissions does not count toward it. Last evaluated 2024-08-06.

Conditions:
APC-related disorder. Also called: APC-related condition.

Allele frequency attached by ClinVar (database versions not stated): 1000 Genomes Project 30x 0.00031; gnomAD 0.00032; 1000 Genomes Project 0.00020; TOPMed 0.00027.
gnomAD v4.1: 48 of 152,356 alleles (0.032%); highest among the groups gnomAD compares: African/African-American, 0.11%; no homozygotes.

Submissions (2):

Blueprint Genetics
Classification: Likely benign. Last evaluated: 2024-08-06. Review status: criteria provided, single submitter. Criteria: ACMG Guidelines, 2015. Collection method: clinical testing. Allele origin: germline.

PreventionGenetics, part of Exact Sciences
Classification: Likely benign for APC-related condition. Last evaluated: 2019-03-20. Review status: no assertion criteria provided. Collection method: clinical testing. Allele origin: germline. Not counted in ClinVar's aggregate classification.
Comment: This variant is classified as likely benign based on ACMG/AMP sequence variant interpretation guidelines (Richards et al. 2015 PMID: 25741868, with internal and published modifications).